The following is an entry in ClinVar:

ClinVar aggregate classification (germline): Uncertain significance (1 of 4 stars; one submission).

Conditions:
Idiopathic generalized epilepsy. Also called: EIG; Generalised epilepsy. Identifiers: MedGen C0270850, MONDO:0005579, OMIM 600669.
Hyperaldosteronism, familial, type IV (HALD4). Also called: FH IV; ALDOSTERONISM, PRIMARY, AND HYPERTENSION. Identifiers: Orphanet 642671, MedGen C4310756, MONDO:0014875, OMIM 617027.

Submission:

Labcorp Genetics (formerly Invitae), Labcorp
Classification: Uncertain significance for Idiopathic generalized epilepsy; Hyperaldosteronism, familial, type IV. Last evaluated: 2023-06-11. Review status: criteria provided, single submitter. Criteria: Invitae Variant Classification Sherloc (09022015). Collection method: clinical testing. Allele origin: germline.
Comment: In summary, the available evidence is currently insufficient to determine the role of this variant in disease. Therefore, it has been classified as a Variant of Uncertain Significance. This variant has not been reported in the literature in individuals affected with CACNA1H-related conditions. This variant is not present in population databases (gnomAD no frequency). This sequence change creates a premature translational stop signal (p.Cys1438*) in the CACNA1H gene. It is expected to result in an absent or disrupted protein product. However, the current clinical and genetic evidence is not sufficient to establish whether loss-of-function variants in CACNA1H cause disease.

NM_021098.3(CACNA1H):c.4314C>A (p.Cys1438Ter)

Gene: CACNA1H (calcium voltage-gated channel subunit alpha1 H; plus strand). Cytogenetic location: 16p13.3.
Variant type: single nucleotide variant.
Coding change: c.4314C>A on transcript NM_021098.3 (MANE Select); coding-DNA position 4314, C replaced by A.
Protein change: p.Cys1438Ter; replaces cysteine 1438 with a stop codon.
Molecular consequence: nonsense.
Genome position (GRCh38, 1-based): chr16:1,211,258, C>A. VCF-style: chr16-1211258-C-A. GRCh37 (hg19) VCF-style: chr16-1261258-C-A.
Other names: c.4314C>A, p.Cys1438Ter (NM_001005407.2); short protein forms C1438*.
Identifiers: ClinVar variation 2948476 (VCV002948476.3), dbSNP rs60275734, ClinGen allele CA394178460.